The following is an entry in ClinVar:

ClinVar aggregate classification (germline): Uncertain significance (1 of 4 stars; one submission).

Submission:

GeneDx
Classification: Uncertain significance. Last evaluated: 2019-11-25. Review status: criteria provided, single submitter. Criteria: GeneDx Variant Classification Process June 2021. Collection method: clinical testing. Allele origin: germline. Affected: yes.
Comment: Not observed in large population cohorts (Lek et al., 2016); The majority of missense variants in this gene are considered pathogenic (Stenson et al., 2014); In silico analysis, which includes protein predictors and evolutionary conservation, supports a deleterious effect; Has not been previously published as pathogenic or benign to our knowledge

NM_006306.4(SMC1A):c.1569C>G (p.Cys523Trp)

Gene: SMC1A (structural maintenance of chromosomes 1A; minus strand). Cytogenetic location: Xp11.22.
Variant type: single nucleotide variant.
Coding change: c.1569C>G on transcript NM_006306.4 (MANE Select); coding-DNA position 1569, C replaced by G.
Protein change: p.Cys523Trp; replaces cysteine 523 with tryptophan.
Molecular consequence: missense variant.
Genome position (GRCh38, 1-based): chrX:53,405,933, G>C on the plus strand (C>G on the coding strand, the complement: SMC1A is on the minus strand). VCF-style: chrX-53405933-G-C. GRCh37 (hg19) VCF-style: chrX-53432865-G-C.
Other names: c.1503C>G, p.Cys501Trp (NM_001281463.1); short protein forms C501W, C523W.
Identifiers: ClinVar variation 1310557 (VCV001310557.2), dbSNP rs2146600104, ClinGen allele CA413253979.